The following is an entry in ClinVar:

NM_001174147.2(LMX1B):c.323_326+8del

Gene: LMX1B (LIM homeobox transcription factor 1 beta; plus strand). Cytogenetic location: 9q33.3.
Variant type: Deletion.
Coding change: c.323_326+8del on transcript NM_001174147.2 (MANE Select); coding-DNA position 323 through 8 bases into the intron after coding-DNA position 326, 12 bases deleted (AACAGTAAGCGC).
Molecular consequence: splice donor variant.
Genome position (GRCh38, 1-based): chr9:126,615,566-126,615,577, AACAGTAAGCGC deleted; deleting any 12 consecutive bases within chr9:126,615,565-126,615,577 gives the same sequence; the c. name uses the placement nearest the transcript's 3' end. VCF-style (leftmost placement, unchanged base first): chr9-126615564-CCAACAGTAAGCG-C. GRCh37 (hg19) VCF-style: chr9-129377843-CCAACAGTAAGCG-C.
Other names: c.323_326+8del (NM_001174146.2, NM_002316.4).
Identifiers: ClinVar variation 1068224 (VCV001068224.7), dbSNP rs2118823917, ClinGen allele CA2499219613.
Genomic context (GRCh38, chr9:126,615,564, plus strand): 5'-GCAAGCCCTCACCACCAGCTGCTACTTCCGGGATCGGAAACTGTACTGCAAACAAGACTA[CCAACAGTAAGCG>C]CTTCTCGTCCTCCTTCCCCGCCACCGCCCGGCACTCGAGCCCGGTCAGCCCCCTGCCGGG-3'

ClinVar aggregate classification (germline): Likely pathogenic (1 of 4 stars; one submission).

Submission:

Labcorp Genetics (formerly Invitae), Labcorp
Classification: Likely pathogenic. Last evaluated: 2020-01-05. Review status: criteria provided, single submitter. Criteria: Invitae Variant Classification Sherloc (09022015). Collection method: clinical testing. Allele origin: germline.
Comment: In summary, the currently available evidence indicates that the variant is pathogenic, but additional data are needed to prove that conclusively. Therefore, this variant has been classified as Likely Pathogenic. Loss-of-function variants in LMX1B are known to be pathogenic (PMID: 9590287, 15498463). Algorithms developed to predict the effect of sequence changes on RNA splicing suggest that this variant may disrupt the consensus splice site, but this prediction has not been confirmed by published transcriptional studies. This variant has not been reported in the literature in individuals with LMX1B-related conditions. This variant is not present in population databases (ExAC no frequency). This variant results in the deletion of part of exon 2 (c.323_326+8del) of the LMX1B gene. It is expected to disrupt RNA splicing and likely results in an absent or disrupted protein product.

Literature cited by the submitters: PubMed 9590287; PubMed 15498463.